The following is an entry in ClinVar:

NM_002528.7(NTHL1):c.907G>C (p.Gly303Arg)

Gene: NTHL1 (nth like DNA glycosylase 1; minus strand). Cytogenetic location: 16p13.3.
Variant type: single nucleotide variant.
Coding change: c.907G>C on transcript NM_002528.7 (MANE Select); coding-DNA position 907, G replaced by C.
Protein change: p.Gly303Arg; replaces glycine 303 with arginine.
Molecular consequence: missense variant.
Genome position (GRCh38, 1-based): chr16:2,039,932, C>G on the plus strand (G>C on the coding strand, the complement: NTHL1 is on the minus strand). VCF-style: chr16-2039932-C-G. GRCh37 (hg19) VCF-style: chr16-2089933-C-G.
Other names: c.736G>C, p.Gly246Arg (NM_001318193.2); c.577G>C, p.Gly193Arg (NM_001318194.2); c.907G>C, p.Gly303Arg (LRG_1366t1); short protein forms G193R, G246R, G303R.
Identifiers: ClinVar variation 665513 (VCV000665513.18), dbSNP rs375024045, ClinGen allele CA276760101.

ClinVar aggregate classification (germline): Conflicting classifications of pathogenicity. Review status: criteria provided, conflicting classifications (1 of 4 stars). 3 submissions from 3 submitters: Uncertain significance (2); Likely benign (1). Last evaluated 2026-01-14.

Conditions:
Familial adenomatous polyposis 3. Also called: NTHL1-Related Adenomatous Polyposis and Colorectal Cancer; NTHL1-associated polyposis; NTHL1-related attenuated familial adenomatous polyposis; NTHL1 Tumor Syndrome. Identifiers: Orphanet 220460, Orphanet 454840, MedGen C4225157, MONDO:0014630, OMIM 616415.
Hereditary cancer-predisposing syndrome. Also called: Tumor predisposition; Neoplastic Syndromes, Hereditary; Hereditary Cancer Syndrome; Hereditary neoplastic syndrome. Identifiers: Orphanet 140162, MedGen C0027672, MeSH D009386, MONDO:0015356.

Allele frequency attached by ClinVar (database versions not stated): gnomAD exomes below 0.00001 and 0.00001; gnomAD 0.00001; TOPMed 0.00001; ESP Exome Variant Server 0.00008.

Submissions (3):

Labcorp Genetics (formerly Invitae), Labcorp
Classification: Uncertain significance. Last evaluated: 2026-01-14. Review status: criteria provided, single submitter. Criteria: Invitae Variant Classification Sherloc (09022015). Collection method: clinical testing. Allele origin: germline.
Comment: This sequence change replaces glycine, which is neutral and non-polar, with arginine, which is basic and polar, at codon 311 of the NTHL1 protein (p.Gly311Arg). This variant is present in population databases (rs375024045, gnomAD 0.002%). This variant has not been reported in the literature in individuals affected with NTHL1-related conditions. ClinVar contains an entry for this variant (Variation ID: 665513). An algorithm developed to predict the effect of missense changes on protein structure and function outputs the following: PolyPhen-2: "Benign". The arginine amino acid residue is found in multiple mammalian species, which suggests that this missense change does not adversely affect protein function. In summary, the available evidence is currently insufficient to determine the role of this variant in disease. Therefore, it has been classified as a Variant of Uncertain Significance.

Ambry Genetics
Classification: Likely benign for Hereditary cancer-predisposing syndrome. Last evaluated: 2024-02-22. Review status: criteria provided, single submitter. Criteria: Ambry Variant Classification Scheme 2023. Collection method: clinical testing. Allele origin: germline.

GeneDx
Classification: Uncertain significance. Last evaluated: 2022-07-07. Review status: criteria provided, single submitter. Criteria: GeneDx Variant Classification Process June 2021. Collection method: clinical testing. Allele origin: germline. Affected: yes.
Comment: Not observed at significant frequency in large population cohorts (gnomAD); In silico analysis supports that this missense variant does not alter protein structure/function; Has not been previously published as pathogenic or benign to our knowledge